The following is an entry in ClinVar:

ClinVar aggregate classification (germline): Pathogenic/Likely pathogenic. Review status: criteria provided, multiple submitters, no conflicts (2 of 4 stars). 2 submissions from 2 submitters: Pathogenic (1); Likely pathogenic (1). Last evaluated 2016-08-15.

Submissions (2):

GeneDx
Classification: Likely pathogenic. Last evaluated: 2016-08-15. Review status: criteria provided, single submitter. Criteria: GeneDx Variant Classification (06012015). Collection method: clinical testing. Allele origin: germline. Affected: yes.
Comment: The c.919_921+9del12 variant in the KCNQ1 gene has not been reported to our knowledge. The c.919_921+9del12 variant results in a 12-bp deletion of the exonic GTG nucleotides and intronic gtaagtcgg nucleotides spanning an exon-intron boundary. This variant is expected to destroy the splice donor site of intron 6. The c.919_921+9del12 variant was not observed in approximately 6,400 individuals of European and African American ancestry in the NHLBI Exome Sequencing Project, indicating it is not a common benign variant in these populations. While the c.919_921+9del12 variant has not been published, it is expected to be pathogenic, as loss of function variants in this gene are strongly associated with this phenotype.

Molecular Diagnostic Laboratory for Inherited Cardiovascular Disease, Montreal Heart Institute
Classification: Pathogenic. Last evaluated: 2016-05-30. Review status: criteria provided, single submitter. Criteria: ACMG Guidelines, 2015. Collection method: clinical testing. Allele origin: germline. Affected: yes.

NM_000218.3(KCNQ1):c.919_921+9del

Gene: KCNQ1 (potassium voltage-gated channel subfamily Q member 1; plus strand). Cytogenetic location: 11p15.5.
Variant type: Deletion.
Coding change: c.919_921+9del on transcript NM_000218.3 (MANE Select); coding-DNA position 919 through 9 bases into the intron after coding-DNA position 921, 12 bases deleted (GTGGTAAGTCGG).
Molecular consequence: splice donor variant. On other transcripts: intron variant (1).
Genome position (GRCh38, 1-based): chr11:2,572,984-2,572,995, GTGGTAAGTCGG deleted; deleting any 12 consecutive bases within chr11:2,572,982-2,572,995 gives the same sequence; the c. name uses the placement nearest the transcript's 3' end. VCF-style (leftmost placement, unchanged base first): chr11-2572981-GGGGTGGTAAGTC-G. GRCh37 (hg19) VCF-style: chr11-2594211-GGGGTGGTAAGTC-G.
Other names: c.919_921+9delGTGGTAAGTCGG (NM_000218.2); c.649_651+9del (NM_001406837.1); c.919_921+9del (NM_001406836.1); c.478-10451_478-10440del (NM_001406838.1); c.538_540+9del (NM_181798.2).
Identifiers: ClinVar variation 200883 (VCV000200883.5), dbSNP rs794728557, ClinGen allele CA305973.